The following is an entry in ClinVar:

ClinVar aggregate classification (germline): Likely benign (1 of 4 stars; one submission).

Allele frequency attached by ClinVar (database versions not stated): 1000 Genomes Project 30x 0.00281; 1000 Genomes Project 0.00319; ESP Exome Variant Server 0.00488.
gnomAD v4.1: 11,191 of 1,568,924 alleles (0.71%); highest among the groups gnomAD compares: Non-Finnish European, 0.81%; 55 homozygotes.

Submission:

CeGaT Center for Human Genetics Tuebingen
Classification: Likely benign. Last evaluated: 2023-04-01. Review status: criteria provided, single submitter. Criteria: CeGaT Center For Human Genetics Tuebingen Variant Classification Criteria Version 2. Collection method: clinical testing. Allele origin: germline. Affected: yes. Observed: 1 variant allele.
Comment: SDK2: BP4, BP7, BS2

NM_001144952.2(SDK2):c.4218G>A (p.Pro1406=)

Gene: SDK2 (sidekick cell adhesion molecule 2; minus strand). Cytogenetic location: 17q25.1.
Variant type: single nucleotide variant.
Coding change: c.4218G>A on transcript NM_001144952.2 (MANE Select); coding-DNA position 4218, G replaced by A.
Protein change: p.Pro1406=; no amino-acid change (proline 1406 retained).
Molecular consequence: synonymous variant.
Genome position (GRCh38, 1-based): chr17:73,388,012, C>T on the plus strand (G>A on the coding strand, the complement: SDK2 is on the minus strand). VCF-style: chr17-73388012-C-T. GRCh37 (hg19) VCF-style: chr17-71384151-C-T.
Identifiers: ClinVar variation 2648181 (VCV002648181.24), dbSNP rs147384840, ClinGen allele CA8742842.